The following is an entry in ClinVar:

ClinVar aggregate classification (germline): Uncertain significance. Review status: criteria provided, multiple submitters, no conflicts (2 of 4 stars). 2 submissions from 2 submitters: Uncertain significance (2). Last evaluated 2023-09-01.

Allele frequency attached by ClinVar (database versions not stated): gnomAD exomes below 0.00001.
gnomAD v4.1: 5 of 1,613,440 alleles (0.00031%); highest among the groups gnomAD compares: Non-Finnish European, 0.00034%; no homozygotes.

Submissions (2):

CeGaT Center for Human Genetics Tuebingen
Classification: Uncertain significance. Last evaluated: 2023-09-01. Review status: criteria provided, single submitter. Criteria: CeGaT Center For Human Genetics Tuebingen Variant Classification Criteria Version 2. Collection method: clinical testing. Allele origin: germline. Affected: yes. Observed: 1 variant allele.
Comment: KCND3: PM2

Institute for Clinical Genetics, University Hospital TU Dresden, University Hospital TU Dresden
Classification: Uncertain significance. Last evaluated: 2021-11-03. Review status: criteria provided, single submitter. Criteria: ACMG Guidelines, 2015. Collection method: clinical testing. Allele origin: germline.

NM_001378969.1(KCND3):c.1313C>T (p.Ser438Leu)

Gene: KCND3 (potassium voltage-gated channel subfamily D member 3; minus strand). Cytogenetic location: 1p13.2.
Variant type: single nucleotide variant.
Coding change: c.1313C>T on transcript NM_001378969.1 (MANE Select); coding-DNA position 1313, C replaced by T.
Protein change: p.Ser438Leu; replaces serine 438 with leucine.
Molecular consequence: missense variant.
Genome position (GRCh38, 1-based): chr1:111,780,748, G>A on the plus strand (C>T on the coding strand, the complement: KCND3 is on the minus strand). VCF-style: chr1-111780748-G-A. GRCh37 (hg19) VCF-style: chr1-112323370-G-A.
Other names: c.1313C>T, p.Ser438Leu (NM_001378970.1, NM_004980.5, NM_172198.3); short protein forms S438L.
Identifiers: ClinVar variation 1319063 (VCV001319063.26), dbSNP rs1172444288, ClinGen allele CA341659218.